The following is an entry in ClinVar:

NM_004797.4(ADIPOQ):c.658G>T (p.Glu220Ter)

Genes: ADIPOQ (adiponectin, C1Q and collagen domain containing; plus strand), ADIPOQ-AS1 (ADIPOQ antisense RNA 1; minus strand). Cytogenetic location: 3q27.3.
Variant type: single nucleotide variant.
Coding change: c.658G>T on transcript NM_004797.4 (MANE Select); coding-DNA position 658, G replaced by T.
Protein change: p.Glu220Ter; replaces glutamic acid 220 with a stop codon.
Molecular consequence: nonsense. On other transcripts: non-coding transcript variant (1).
Genome position (GRCh38, 1-based): chr3:186,854,627, G>T. VCF-style: chr3-186854627-G-T. GRCh37 (hg19) VCF-style: chr3-186572416-G-T.
Other names: c.658G>T, p.Glu220Ter (NM_001177800.2); short protein forms E220*.
Identifiers: ClinVar variation 2654342 (VCV002654342.24), dbSNP rs183590709, ClinGen allele CA89678406.

ClinVar aggregate classification (germline): Uncertain significance (1 of 4 stars; one submission).

gnomAD v4.1: 32 of 1,614,178 alleles (0.002%); highest among the groups gnomAD compares: Non-Finnish European, 0.0025%; no homozygotes.

Submission:

CeGaT Center for Human Genetics Tuebingen
Classification: Uncertain significance. Last evaluated: 2023-06-01. Review status: criteria provided, single submitter. Criteria: CeGaT Center For Human Genetics Tuebingen Variant Classification Criteria Version 2. Collection method: clinical testing. Allele origin: germline. Affected: yes. Observed: 1 variant allele.
Comment: ADIPOQ: PM2, PM4